The following is an entry in ClinVar:

NM_000051.4(ATM):c.8585-394_8585-393delinsGT

Genes: ATM (ATM serine/threonine kinase; plus strand), C11orf65 (chromosome 11 open reading frame 65; minus strand). Cytogenetic location: 11q22.3.
Variant type: Indel.
Coding change: c.8585-394_8585-393delinsGT on transcript NM_000051.4 (MANE Select); 394 bases into the intron before coding-DNA position 8585 through 393 bases into the intron before coding-DNA position 8585, TG replaced by GT.
Molecular consequence: intron variant.
Genome position (GRCh38, 1-based): chr11:108,346,885-108,346,886, TG replaced by GT. VCF-style: chr11-108346885-TG-GT. GRCh37 (hg19) VCF-style: chr11-108217612-TG-GT.
Other names: c.8585-394_8585-393delinsGT (NM_001351834.2); c.641-37815_641-37814delinsAC (NM_001330368.2); c.695-11594_695-11593delinsAC (NM_001351110.2).
Identifiers: ClinVar variation 4865744 (VCV004865744.1).

ClinVar aggregate classification (germline): Uncertain significance (1 of 4 stars; one submission).

Conditions:
Hereditary cancer-predisposing syndrome. Also called: Tumor predisposition; Hereditary neoplastic syndrome; Hereditary Cancer Syndrome; Neoplastic Syndromes, Hereditary. Identifiers: Orphanet 140162, MedGen C0027672, MeSH D009386, MONDO:0015356.

Submission:

Ambry Genetics
Classification: Uncertain significance for Hereditary cancer-predisposing syndrome. Last evaluated: 2026-05-26. Review status: criteria provided, single submitter. Criteria: Ambry Variant Classification Scheme 2023. Collection method: clinical testing. Allele origin: germline.
Comment: The c.8585-394_8585-393delTGinsGT intronic variant, located in intron 57 of the ATM gene, results from an in-frame from the deletion of two nucleotides and the insertion of two nucleotides at nucleotide position 8585. These nucleotide positions are well conserved in available vertebrate species. In silico splice site analysis predicts that this alteration will not have any significant effect on splicing. RNA studies have demonstrated that this alteration results in a splice defect; the clinical impact of this abnormal splicing is unknown at this time (Ambry internal data). Based on the available evidence, the clinical significance of this variant remains unclear.